The following is an entry in ClinVar:

ClinVar aggregate classification (germline): Uncertain significance. Review status: criteria provided, multiple submitters, no conflicts (2 of 4 stars). 3 submissions from 3 submitters: Uncertain significance (2). 1 of the submissions does not count toward it. Last evaluated 2025-04-07.

Conditions:
Retinitis pigmentosa 25 (RP25). Identifiers: Orphanet 791, MedGen C1864446, MONDO:0011272, OMIM 602772.

Allele frequency attached by ClinVar (database versions not stated): gnomAD exomes 0.00003 and 0.00008; ExAC 0.00005.
gnomAD v4.1: 49 of 1,590,864 alleles (0.0031%); highest among the groups gnomAD compares: South Asian, 0.049%; 1 homozygote.

Submissions (3):

Labcorp Genetics (formerly Invitae), Labcorp
Classification: Uncertain significance. Last evaluated: 2025-04-07. Review status: criteria provided, single submitter. Criteria: Invitae Variant Classification Sherloc (09022015). Collection method: clinical testing. Allele origin: germline.
Comment: This sequence change replaces proline, which is neutral and non-polar, with alanine, which is neutral and non-polar, at codon 289 of the EYS protein (p.Pro289Ala). This variant is present in population databases (rs772145998, gnomAD 0.05%). This missense change has been observed in individual(s) with autosomal recessive retinitis pigmentosa (PMID: 29159838). ClinVar contains an entry for this variant (Variation ID: 947686). An algorithm developed to predict the effect of missense changes on protein structure and function outputs the following: PolyPhen-2: "Benign". The alanine amino acid residue is found in multiple mammalian species, which suggests that this missense change does not adversely affect protein function. In summary, the available evidence is currently insufficient to determine the role of this variant in disease. Therefore, it has been classified as a Variant of Uncertain Significance.

Blueprint Genetics
Classification: Uncertain significance. Last evaluated: 2024-10-18. Review status: criteria provided, single submitter. Criteria: ACMG Guidelines, 2015. Collection method: clinical testing. Allele origin: germline.

Natera, Inc.
Classification: Uncertain significance for Retinitis pigmentosa type 25. Last evaluated: 2020-01-18. Review status: no assertion criteria provided. Collection method: clinical testing. Allele origin: germline. Not counted in ClinVar's aggregate classification.

Literature cited by the submitters: PubMed 29159838 (cited by Labcorp Genetics (formerly Invitae), Labcorp).

NM_001142800.2(EYS):c.865C>G (p.Pro289Ala)

Gene: EYS (EGF-like photoreceptor maintenance factor; minus strand). Cytogenetic location: 6q12.
Variant type: single nucleotide variant.
Coding change: c.865C>G on transcript NM_001142800.2 (MANE Select); coding-DNA position 865, C replaced by G.
Protein change: p.Pro289Ala; replaces proline 289 with alanine.
Molecular consequence: missense variant.
Genome position (GRCh38, 1-based): chr6:65,405,365, G>C on the plus strand (C>G on the coding strand, the complement: EYS is on the minus strand). VCF-style: chr6-65405365-G-C. GRCh37 (hg19) VCF-style: chr6-66115258-G-C.
Other names: c.865C>G, p.Pro289Ala (NM_001142801.2, NM_001292009.2, NM_198283.2); short protein forms P289A.
Identifiers: ClinVar variation 947686 (VCV000947686.9), dbSNP rs772145998, ClinGen allele CA3877938.